The following is an entry in ClinVar:

NM_000257.4(MYH7):c.2351T>C (p.Ile784Thr)

Genes: MYH7 (myosin heavy chain 7; minus strand), LOC126861898 (BRD4-independent group 4 enhancer GRCh37_chr14:23893609-23894808; plus strand). Cytogenetic location: 14q11.2.
Variant type: single nucleotide variant.
Coding change: c.2351T>C on transcript NM_000257.4 (MANE Select); coding-DNA position 2351, T replaced by C.
Protein change: p.Ile784Thr; replaces isoleucine 784 with threonine.
Molecular consequence: missense variant.
Genome position (GRCh38, 1-based): chr14:23,425,354, A>G on the plus strand (T>C on the coding strand, the complement: MYH7 is on the minus strand). VCF-style: chr14-23425354-A-G. GRCh37 (hg19) VCF-style: chr14-23894563-A-G.
Other names: c.2351T>C, p.Ile784Thr (NM_001407004.1); short protein forms I784T.
Identifiers: ClinVar variation 4757407 (VCV004757407.1).

ClinVar aggregate classification (germline): Uncertain significance (1 of 4 stars; one submission).

Conditions:
Cardiomyopathy (CMYO). Also called: Cardiomyopathies. Identifiers: Orphanet 167848, MedGen C0878544, MONDO:0004994, HP:0001638. Inheritance: Various modes of inheritance.

Submission:

Color Diagnostics, LLC DBA Color Health
Classification: Uncertain significance for Cardiomyopathy. Last evaluated: 2025-07-03. Review status: criteria provided, single submitter. Criteria: ACMG Guidelines, 2015. Collection method: clinical testing. Allele origin: germline.
Comment: This missense variant replaces isoleucine with threonine at codon 784 of the MYH7 protein. This variant is found within a highly conserved region of the myosin head domain. Missense variants in this region have been shown to be significantly overrepresented in individuals with affected with hypertrophic cardiomyopathy (PMID: 27532257). Computational prediction suggests that this variant may have a deleterious impact on protein structure and function. To our knowledge, functional studies have not been reported for this variant. This variant has not been reported in individuals affected with MYH7-related disorders in the literature. This variant has not been identified in the general population by the Genome Aggregation Database (gnomAD). The available evidence is insufficient to determine the role of this variant in disease conclusively. Therefore, this variant is classified as a Variant of Uncertain Significance.

Literature cited by the submitters: PubMed 27532257.